The following is an entry in ClinVar:

ClinVar aggregate classification (germline): Pathogenic (1 of 4 stars; one submission).

Conditions:
Short-rib thoracic dysplasia 14 with polydactyly (SRTD14). Identifiers: Orphanet 397715, MedGen C4225286, MONDO:0014688, OMIM 616546.
Joubert syndrome 23 (JBTS23). Identifiers: Orphanet 475, MedGen C4084822, MONDO:0014664, OMIM 616490.

Allele frequency attached by ClinVar (database versions not stated): gnomAD 0.00001; TOPMed 0.00003.

Submission:

Labcorp Genetics (formerly Invitae), Labcorp
Classification: Pathogenic for Joubert syndrome 23; Short-rib thoracic dysplasia 14 with polydactyly. Last evaluated: 2022-05-15. Review status: criteria provided, single submitter. Criteria: Invitae Variant Classification Sherloc (09022015). Collection method: clinical testing. Allele origin: germline.
Comment: For these reasons, this variant has been classified as Pathogenic. This variant has not been reported in the literature in individuals affected with KIAA0586-related conditions. This variant is not present in population databases (gnomAD no frequency). This sequence change creates a premature translational stop signal (p.Ile635Tyrfs*2) in the KIAA0586 gene. It is expected to result in an absent or disrupted protein product. Loss-of-function variants in KIAA0586 are known to be pathogenic (PMID: 26096313, 26166481, 26386044).

Literature cited by the submitters: PubMed 26096313; PubMed 26166481; PubMed 26386044.

NM_001329943.3(KIAA0586):c.1743dup (p.Ile582fs)

Gene: KIAA0586 (KIAA0586; plus strand). Cytogenetic location: 14q23.1.
Variant type: Duplication.
Coding change: c.1743dup on transcript NM_001329943.3 (MANE Select); coding-DNA position 1743, one base duplicated (T; older notation c.1743dupT).
Protein change: p.Ile582fs; shifts the reading frame from isoleucine 582.
Molecular consequence: frameshift variant. On other transcripts: intron variant (1).
Genome position (GRCh38, 1-based): chr14:58,459,929, T duplicated. VCF-style (leftmost placement, unchanged base first): chr14-58459928-A-AT. GRCh37 (hg19) VCF-style: chr14-58926646-A-AT.
Other names: c.1902dup, p.Ile635fs (NM_001244189.2); c.1698dup, p.Ile567fs (NM_001244190.2); c.1488dup, p.Ile497fs (NM_001244191.2, NM_001329945.2, NM_001364700.1 and 1 more transcripts); c.1611dup, p.Ile538fs (NM_001244192.2); c.1323dup, p.Ile442fs (NM_001244193.2); c.1743dup, p.Ile582fs (NM_001329944.2, NM_001329946.2, NM_001329947.2); c.1657-1057dup (NM_014749.5); short protein forms I538fs, I442fs, I567fs, I497fs, I582fs, I635fs.
Identifiers: ClinVar variation 1984603 (VCV001984603.4), dbSNP rs1008358256, ClinGen allele CA261626249.